The following is an entry in ClinVar:

NM_005996.4(TBX3):c.1434G>T (p.Leu478=)

Gene: TBX3 (T-box transcription factor 3; minus strand). Cytogenetic location: 12q24.21.
Variant type: single nucleotide variant.
Coding change: c.1434G>T on transcript NM_005996.4 (MANE Select); coding-DNA position 1434, G replaced by T.
Protein change: p.Leu478=; no amino-acid change (leucine 478 retained).
Molecular consequence: synonymous variant.
Genome position (GRCh38, 1-based): chr12:114,674,441, C>A on the plus strand (G>T on the coding strand, the complement: TBX3 is on the minus strand). VCF-style: chr12-114674441-C-A. GRCh37 (hg19) VCF-style: chr12-115112246-C-A.
Other names: c.1494G>T, p.Leu498= (NM_016569.4); c.1494G>T (NM_016569.3).
Identifiers: ClinVar variation 4811978 (VCV004811978.2).

ClinVar aggregate classification (germline): Likely benign. Review status: criteria provided, multiple submitters, no conflicts (2 of 4 stars). 2 submissions from 2 submitters: Likely benign (2). Last evaluated 2026-04-10.

Conditions:
TBX3-related disorder. Also called: TBX3-related condition.
Ulnar-mammary syndrome (UMS). Also called: SCHINZEL SYNDROME; Ulnar-mammary syndrome of Pallister; PALLISTER ULNAR-MAMMARY SYNDROME. Identifiers: Orphanet 3138, MedGen C1866994, MONDO:0008411, OMIM 181450.

gnomAD v4.1: 10 of 1,547,776 alleles (0.00065%); highest among the groups gnomAD compares: African/African-American, 0.0014%; no homozygotes.

Submissions (2):

PreventionGenetics, part of Exact Sciences
Classification: Likely benign for TBX3-related condition. Last evaluated: 2026-04-10. Review status: criteria provided, single submitter. Criteria: ACMG Guidelines, 2015. Collection method: clinical testing. Allele origin: germline.
Comment: This variant is classified as likely benign based on ACMG/AMP sequence variant interpretation guidelines (Richards et al. 2015 PMID: 25741868, with internal and published modifications).

Labcorp Genetics (formerly Invitae), Labcorp
Classification: Likely benign for Ulnar-mammary syndrome. Last evaluated: 2025-02-24. Review status: criteria provided, single submitter. Criteria: Invitae Variant Classification Sherloc (09022015). Collection method: clinical testing. Allele origin: germline.